The following is an entry in ClinVar:

ClinVar aggregate classification (germline): Likely benign (0 of 4 stars; one submission).

Conditions:
MAP4-related disorder. Also called: MAP4-related condition.

Allele frequency attached by ClinVar (database versions not stated): 1000 Genomes Project 0.00200; 1000 Genomes Project 30x 0.00219; gnomAD 0.00347; TOPMed 0.00361; ESP Exome Variant Server 0.00444; gnomAD exomes 0.00533; ExAC 0.00574.
gnomAD v4.1: 8,085 of 1,568,908 alleles (0.52%); highest among the groups gnomAD compares: Middle Eastern, 1.4%; 38 homozygotes.

Submission:

PreventionGenetics, part of Exact Sciences
Classification: Likely benign for MAP4-related condition. Last evaluated: 2019-02-28. Review status: no assertion criteria provided. Collection method: clinical testing. Allele origin: germline.
Comment: This variant is classified as likely benign based on ACMG/AMP sequence variant interpretation guidelines (Richards et al. 2015 PMID: 25741868, with internal and published modifications).

NM_001385682.1(MAP4):c.292+2409G>A

Gene: MAP4 (microtubule associated protein 4; minus strand). Cytogenetic location: 3p21.31.
Variant type: single nucleotide variant.
Coding change: c.292+2409G>A on transcript NM_001385682.1 (MANE Select); 2409 bases into the intron after coding-DNA position 292, G replaced by A.
Molecular consequence: intron variant. On other transcripts: 3 prime UTR variant (4).
Genome position (GRCh38, 1-based): chr3:47,975,456, C>T on the plus strand (G>A on the coding strand, the complement: MAP4 is on the minus strand). VCF-style: chr3-47975456-C-T. GRCh37 (hg19) VCF-style: chr3-48016946-C-T.
Other names: c.*2G>A (NM_001385690.1, NM_001385691.1, NM_001385692.1 and 1 more transcripts); c.-30+2409G>A (NM_001384862.1, NM_001384845.1, NM_001384867.1 and 1 more transcripts); c.292+2409G>A (NM_001384848.1, NM_001384807.1, NM_001384842.1 and 94 more transcripts); c.223+23182G>A (NM_001384680.1, NM_001384817.1, NM_001384753.1 and 17 more transcripts); c.343+2409G>A (NM_001384789.1, NM_001384793.1, NM_001384797.1 and 15 more transcripts).
Identifiers: ClinVar variation 3041545 (VCV003041545.2), dbSNP rs79021891, ClinGen allele CA2371698.